The following is an entry in ClinVar:

ClinVar aggregate classification (germline): Conflicting classifications of pathogenicity. Review status: criteria provided, conflicting classifications (1 of 4 stars). 3 submissions from 3 submitters: Uncertain significance (2); Likely benign (1). Last evaluated 2022-08-13.

Conditions:
Alstrom syndrome (ALMS). Identifiers: Orphanet 64, MedGen C0268425, MONDO:0008763, OMIM 203800.
Cardiovascular phenotype. Identifiers: MedGen CN230736.

Allele frequency attached by ClinVar (database versions not stated): ExAC 0.00001; gnomAD exomes 0.00002.
gnomAD v4.1: 27 of 1,614,164 alleles (0.0017%); highest among the groups gnomAD compares: Non-Finnish European, 0.0022%; no homozygotes.

Submissions (3):

Labcorp Genetics (formerly Invitae), Labcorp
Classification: Uncertain significance for Alstrom syndrome. Last evaluated: 2022-08-13. Review status: criteria provided, single submitter. Criteria: Invitae Variant Classification Sherloc (09022015). Collection method: clinical testing. Allele origin: germline.
Comment: This sequence change replaces lysine, which is basic and polar, with arginine, which is basic and polar, at codon 3948 of the ALMS1 protein (p.Lys3948Arg). The frequency data for this variant in the population databases is considered unreliable, as metrics indicate poor data quality at this position in the gnomAD database. This variant has not been reported in the literature in individuals affected with ALMS1-related conditions. In summary, the available evidence is currently insufficient to determine the role of this variant in disease. Therefore, it has been classified as a Variant of Uncertain Significance.

Ambry Genetics
Classification: Likely benign for Cardiovascular phenotype. Last evaluated: 2021-03-07. Review status: criteria provided, single submitter. Criteria: Ambry Variant Classification Scheme 2023. Collection method: clinical testing. Allele origin: germline.

Blueprint Genetics
Classification: Uncertain significance. Last evaluated: 2020-03-26. Review status: criteria provided, single submitter. Criteria: ACMG Guidelines, 2015. Collection method: clinical testing. Allele origin: germline.

NM_001378454.1(ALMS1):c.11840A>G (p.Lys3947Arg)

Gene: ALMS1 (ALMS1 centrosome and basal body associated protein; plus strand). Cytogenetic location: 2p13.1.
Variant type: single nucleotide variant.
Coding change: c.11840A>G on transcript NM_001378454.1 (MANE Select); coding-DNA position 11840, A replaced by G.
Protein change: p.Lys3947Arg; replaces lysine 3947 with arginine.
Molecular consequence: missense variant.
Genome position (GRCh38, 1-based): chr2:73,600,849, A>G. VCF-style: chr2-73600849-A-G. GRCh37 (hg19) VCF-style: chr2-73827976-A-G.
Other names: c.11843A>G, p.Lys3948Arg (NM_015120.4); short protein forms K3948R, K3947R.
Identifiers: ClinVar variation 1742902 (VCV001742902.5), dbSNP rs749304523, ClinGen allele CA1715336.